The following is an entry in ClinVar:

NM_139076.3(ABRAXAS1):c.1137A>C (p.Gln379His)

Gene: ABRAXAS1 (abraxas 1, BRCA1 A complex subunit; minus strand). Cytogenetic location: 4q21.23.
Variant type: single nucleotide variant.
Coding change: c.1137A>C on transcript NM_139076.3 (MANE Select); coding-DNA position 1137, A replaced by C.
Protein change: p.Gln379His; replaces glutamine 379 with histidine.
Molecular consequence: missense variant.
Genome position (GRCh38, 1-based): chr4:83,462,562, T>G on the plus strand (A>C on the coding strand, the complement: ABRAXAS1 is on the minus strand). VCF-style: chr4-83462562-T-G. GRCh37 (hg19) VCF-style: chr4-84383715-T-G.
Other names: c.810A>C, p.Gln270His (NM_001345962.2); short protein forms Q270H, Q379H.
Identifiers: ClinVar variation 3229136 (VCV003229136.1), dbSNP rs1722160124, ClinGen allele CA357255053.
Genomic context (GRCh38, chr4:83,462,562, plus strand): 5'-ACCCTTCATCTTTTCAATTTCTTCATCTGTTTCTGGGCTGCTCATTTTGGATGCTTTATC[T>G]TGGTTACTACTACCAGTATCTGCTTTAGATCGTTTGTCTTGTGTATCTAACAACCGAGAT-3'
Protein context (NP_620775.2, residues 369-389): RSKADTGSSN[Gln379His]DKASKMSSPE

ClinVar aggregate classification (germline): Uncertain significance (1 of 4 stars; one submission).

Allele frequency attached by ClinVar (database versions not stated): gnomAD exomes below 0.00001.
gnomAD v4.1: 2 of 1,614,174 alleles (0.00012%); highest among the groups gnomAD compares: African/African-American, 0.0027%; no homozygotes.

Submission:

Ambry Genetics
Classification: Uncertain significance. Last evaluated: 2023-01-17. Review status: criteria provided, single submitter. Criteria: Ambry Variant Classification Scheme 2023. Collection method: clinical testing. Allele origin: germline.
Comment: The p.Q379H variant (also known as c.1137A>C), located in coding exon 9 of the FAM175A gene, results from an A to C substitution at nucleotide position 1137. The glutamine at codon 379 is replaced by histidine, an amino acid with highly similar properties. This amino acid position is conserved. In addition, this alteration is predicted to be tolerated by in silico analysis. Since supporting evidence is limited at this time, the clinical significance of this alteration remains unclear.